The following is an entry in ClinVar:

NM_001134673.4(NFIA):c.1113G>A (p.Pro371=)

Gene: NFIA (nuclear factor I A; plus strand). Cytogenetic location: 1p31.3.
Variant type: single nucleotide variant.
Coding change: c.1113G>A on transcript NM_001134673.4 (MANE Select); coding-DNA position 1113, G replaced by A.
Protein change: p.Pro371=; no amino-acid change (proline 371 retained).
Molecular consequence: synonymous variant.
Genome position (GRCh38, 1-based): chr1:61,404,141, G>A. VCF-style: chr1-61404141-G-A. GRCh37 (hg19) VCF-style: chr1-61869813-G-A.
Other names: c.1089G>A, p.Pro363= (NM_001145511.2); c.1248G>A, p.Pro416= (NM_001145512.2); c.1113G>A, p.Pro371= (NM_005595.5).
Identifiers: ClinVar variation 1217623 (VCV001217623.12), dbSNP rs35326715, ClinGen allele CA881128.

ClinVar aggregate classification (germline): Benign/Likely benign. Review status: criteria provided, multiple submitters, no conflicts (2 of 4 stars). 3 submissions from 3 submitters: Benign (1); Likely benign (2). Last evaluated 2026-09-01.

Allele frequency attached by ClinVar (database versions not stated): ESP Exome Variant Server 0.00308; 1000 Genomes Project 30x 0.00406; 1000 Genomes Project 0.00419.
gnomAD v4.1: 1,129 of 1,614,036 alleles (0.07%); highest among the groups gnomAD compares: African/African-American, 1.1%; 5 homozygotes.

Submissions (3):

CeGaT Center for Human Genetics Tuebingen
Classification: Likely benign. Last evaluated: 2026-09-01. Review status: criteria provided, single submitter. Criteria: CeGaT Center For Human Genetics Tuebingen Variant Classification Criteria Version 2. Collection method: clinical testing. Allele origin: germline. Affected: yes. Observed: 2 variant alleles.
Comment: NFIA: BP4, BP7, BS1

Labcorp Genetics (formerly Invitae), Labcorp
Classification: Benign. Last evaluated: 2026-02-03. Review status: criteria provided, single submitter. Criteria: Invitae Variant Classification Sherloc (09022015). Collection method: clinical testing. Allele origin: germline.

GeneDx
Classification: Likely benign. Last evaluated: 2019-02-09. Review status: criteria provided, single submitter. Criteria: GeneDx Variant Classification Process June 2021. Collection method: clinical testing. Allele origin: germline. Affected: yes.